The following is an entry in ClinVar:

NM_001105206.3(LAMA4):c.2986A>G (p.Ser996Gly)

Gene: LAMA4 (laminin subunit alpha 4; minus strand). Cytogenetic location: 6q21.
Variant type: single nucleotide variant.
Coding change: c.2986A>G on transcript NM_001105206.3 (MANE Select); coding-DNA position 2986, A replaced by G.
Protein change: p.Ser996Gly; replaces serine 996 with glycine.
Molecular consequence: missense variant.
Genome position (GRCh38, 1-based): chr6:112,139,876, T>C on the plus strand (A>G on the coding strand, the complement: LAMA4 is on the minus strand). VCF-style: chr6-112139876-T-C. GRCh37 (hg19) VCF-style: chr6-112461078-T-C.
Other names: c.2965A>G, p.Ser989Gly (NM_001105207.3, NM_002290.5); short protein forms S989G, S996G.
Identifiers: ClinVar variation 2447569 (VCV002447569.3), dbSNP rs1327096507, ClinGen allele CA365379449.

ClinVar aggregate classification (germline): Uncertain significance. Review status: criteria provided, multiple submitters, no conflicts (2 of 4 stars). 2 submissions from 2 submitters: Uncertain significance (2). Last evaluated 2025-12-20.

Conditions:
Cardiovascular phenotype. Identifiers: MedGen CN230736.
Dilated cardiomyopathy 1JJ (CMD1JJ). Identifiers: Orphanet 154, MedGen C3808935, MONDO:0014095, OMIM 615235.

Allele frequency attached by ClinVar (database versions not stated): gnomAD exomes 0.00001; TOPMed 0.00001.
gnomAD v4.1: 4 of 1,614,034 alleles (0.00025%); highest among the groups gnomAD compares: South Asian, 0.0011%; no homozygotes.

Submissions (2):

Labcorp Genetics (formerly Invitae), Labcorp
Classification: Uncertain significance for Dilated cardiomyopathy 1JJ. Last evaluated: 2025-12-20. Review status: criteria provided, single submitter. Criteria: Invitae Variant Classification Sherloc (09022015). Collection method: clinical testing. Allele origin: germline.
Comment: This sequence change replaces serine, which is neutral and polar, with glycine, which is neutral and non-polar, at codon 989 of the LAMA4 protein (p.Ser989Gly). This variant is not present in population databases (gnomAD no frequency). This variant has not been reported in the literature in individuals affected with LAMA4-related conditions. ClinVar contains an entry for this variant (Variation ID: 2447569). Invitae Evidence Modeling of protein sequence and biophysical properties (such as structural, functional, and spatial information, amino acid conservation, physicochemical variation, residue mobility, and thermodynamic stability) indicates that this missense variant is expected to disrupt LAMA4 protein function with a positive predictive value of 80%. In summary, the available evidence is currently insufficient to determine the role of this variant in disease. Therefore, it has been classified as a Variant of Uncertain Significance.

Ambry Genetics
Classification: Uncertain significance for Cardiovascular phenotype. Last evaluated: 2023-02-23. Review status: criteria provided, single submitter. Criteria: Ambry Variant Classification Scheme 2023. Collection method: clinical testing. Allele origin: germline.
Comment: The p.S989G variant (also known as c.2965A>G), located in coding exon 22 of the LAMA4 gene, results from an A to G substitution at nucleotide position 2965. The serine at codon 989 is replaced by glycine, an amino acid with similar properties. This amino acid position is conserved. In addition, this alteration is predicted to be tolerated by in silico analysis. Since supporting evidence is limited at this time, the clinical significance of this alteration remains unclear.